The following is an entry in ClinVar:

ClinVar aggregate classification (germline): Uncertain significance. Review status: criteria provided, multiple submitters, no conflicts (2 of 4 stars). 5 submissions from 4 submitters: Uncertain significance (5). Last evaluated 2025-10-14.

Conditions:
Aortic valve disease 1 (AOVD1). Identifiers: MedGen C3887892, MONDO:0024523, OMIM 109730.
Adams-Oliver syndrome 5 (AOS5). Identifiers: Orphanet 974, MedGen C4014970, MONDO:0014459, OMIM 616028.
Familial thoracic aortic aneurysm and aortic dissection (TAAD). Also called: Thoracic aortic aneurysms and dissections. Identifiers: Orphanet 91387, MedGen C4707243, MONDO:0019625.

Allele frequency attached by ClinVar (database versions not stated): gnomAD 0.00001; TOPMed 0.00001; ExAC 0.00002; gnomAD exomes 0.00002 and 0.00003.
gnomAD v4.1: 48 of 1,606,184 alleles (0.003%); highest among the groups gnomAD compares: Non-Finnish European, 0.004%; no homozygotes.

Submissions (5):

Ambry Genetics
Classification: Uncertain significance for Familial thoracic aortic aneurysm and aortic dissection. Last evaluated: 2025-10-14. Review status: criteria provided, single submitter. Criteria: Ambry Variant Classification Scheme 2023. Collection method: clinical testing. Allele origin: germline.
Comment: The p.N151S variant (also known as c.452A>G), located in coding exon 4 of the NOTCH1 gene, results from an A to G substitution at nucleotide position 452. The asparagine at codon 151 is replaced by serine, an amino acid with highly similar properties. This amino acid position is highly conserved in available vertebrate species. In addition, the in silico prediction for this alteration is inconclusive. Since supporting evidence is limited at this time, the clinical significance of this alteration remains unclear.

Labcorp Genetics (formerly Invitae), Labcorp
Classification: Uncertain significance for Adams-Oliver syndrome 5. Last evaluated: 2025-03-27. Review status: criteria provided, single submitter. Criteria: Invitae Variant Classification Sherloc (09022015). Collection method: clinical testing. Allele origin: germline.
Comment: This sequence change replaces asparagine, which is neutral and polar, with serine, which is neutral and polar, at codon 151 of the NOTCH1 protein (p.Asn151Ser). This variant is present in population databases (rs766362765, gnomAD 0.004%). This variant has not been reported in the literature in individuals affected with NOTCH1-related conditions. ClinVar contains an entry for this variant (Variation ID: 664231). An algorithm developed to predict the effect of missense changes on protein structure and function (PolyPhen-2) suggests that this variant is likely to be disruptive. In summary, the available evidence is currently insufficient to determine the role of this variant in disease. Therefore, it has been classified as a Variant of Uncertain Significance.

Genome-Nilou Lab
Classification: Uncertain significance for Adams-Oliver syndrome 5. Last evaluated: 2022-03-15. Review status: criteria provided, single submitter. Criteria: ACMG Guidelines, 2015. Collection method: clinical testing. Allele origin: germline. Affected: no.

Genome-Nilou Lab
Classification: Uncertain significance for Aortic valve disease 1. Last evaluated: 2022-03-15. Review status: criteria provided, single submitter. Criteria: ACMG Guidelines, 2015. Collection method: clinical testing. Allele origin: germline. Affected: no.

AiLife Diagnostics
Classification: Uncertain significance. Last evaluated: 2021-09-22. Review status: criteria provided, single submitter. Criteria: ACMG Guidelines, 2015. Collection method: clinical testing. Allele origin: germline. Affected: yes. Observed: 1 variant allele.

NM_017617.5(NOTCH1):c.452A>G (p.Asn151Ser)

Gene: NOTCH1 (notch receptor 1; minus strand). Cytogenetic location: 9q34.3.
Variant type: single nucleotide variant.
Coding change: c.452A>G on transcript NM_017617.5 (MANE Select); coding-DNA position 452, A replaced by G.
Protein change: p.Asn151Ser; replaces asparagine 151 with serine.
Molecular consequence: missense variant.
Genome position (GRCh38, 1-based): chr9:136,523,140, T>C on the plus strand (A>G on the coding strand, the complement: NOTCH1 is on the minus strand). VCF-style: chr9-136523140-T-C. GRCh37 (hg19) VCF-style: chr9-139417592-T-C.
Other names: c.452A>G, p.Asn151Ser (LRG_1122t1); short protein forms N151S.
Identifiers: ClinVar variation 664231 (VCV000664231.11), dbSNP rs766362765, ClinGen allele CA5342149.